The following is an entry in ClinVar:

NM_020632.3(ATP6V0A4):c.1408T>G (p.Phe470Val)

Gene: ATP6V0A4 (ATPase H+ transporting V0 subunit a4; minus strand). Cytogenetic location: 7q34.
Variant type: single nucleotide variant.
Coding change: c.1408T>G on transcript NM_020632.3 (MANE Select); coding-DNA position 1408, T replaced by G.
Protein change: p.Phe470Val; replaces phenylalanine 470 with valine.
Molecular consequence: missense variant.
Genome position (GRCh38, 1-based): chr7:138,745,193, A>C on the plus strand (T>G on the coding strand, the complement: ATP6V0A4 is on the minus strand). VCF-style: chr7-138745193-A-C. GRCh37 (hg19) VCF-style: chr7-138429938-A-C.
Other names: c.1408T>G, p.Phe470Val (NM_130840.3, NM_130841.3); short protein forms F470V.
Identifiers: ClinVar variation 5007160 (VCV005007160.2).

ClinVar aggregate classification (germline): Uncertain significance (1 of 4 stars; one submission).

Conditions:
Renal tubular acidosis, distal, 3, with or without sensorineural hearing loss (DRTA3). Identifiers: MedGen C5399980, MONDO:0011268, OMIM 602722.

Submission:

Juno Genomics, Hangzhou Juno Genomics, Inc
Classification: Uncertain significance for Renal tubular acidosis, distal, 3, with or without sensorineural hearing loss. Review status: criteria provided, single submitter. Criteria: ACMG Guidelines, 2015. Collection method: clinical testing. Allele origin: germline.
Comment: Absent from controls (or at extremely low frequency if recessive) in Genome Aggregation Database.;Multiple lines of computational evidence support a deleterious effect on the gene or gene product.